The following is an entry in ClinVar:

ClinVar aggregate classification (germline): Uncertain significance. Review status: criteria provided, multiple submitters, no conflicts (2 of 4 stars). 2 submissions from 2 submitters: Uncertain significance (2). Last evaluated 2022-09-14.

Submissions (2):

Blueprint Genetics
Classification: Uncertain significance. Last evaluated: 2022-09-14. Review status: criteria provided, single submitter. Criteria: ACMG Guidelines, 2015. Collection method: clinical testing. Allele origin: germline.

Labcorp Genetics (formerly Invitae), Labcorp
Classification: Uncertain significance. Last evaluated: 2022-05-19. Review status: criteria provided, single submitter. Criteria: Invitae Variant Classification Sherloc (09022015). Collection method: clinical testing. Allele origin: germline.
Comment: This sequence change replaces alanine, which is neutral and non-polar, with leucine, which is neutral and non-polar, at codon 2239 of the GPR179 protein (p.Ala2239Leu). This variant is present in population databases (no rsID available, gnomAD 0.1%). This variant has not been reported in the literature in individuals affected with GPR179-related conditions. ClinVar contains an entry for this variant (Variation ID: 1036968). Algorithms developed to predict the effect of missense changes on protein structure and function are either unavailable or do not agree on the potential impact of this missense change (SIFT: "Not Available"; PolyPhen-2: "Probably Damaging"; Align-GVGD: "Not Available"). In summary, the available evidence is currently insufficient to determine the role of this variant in disease. Therefore, it has been classified as a Variant of Uncertain Significance.

NM_001004334.4(GPR179):c.6715_6716delinsCT (p.Ala2239Leu)

Gene: GPR179 (G protein-coupled receptor 179; minus strand). Cytogenetic location: 17q12.
Variant type: Indel.
Coding change: c.6715_6716delinsCT on transcript NM_001004334.4 (MANE Select); coding-DNA positions 6715 to 6716, GC replaced by CT.
Protein change: p.Ala2239Leu; replaces alanine 2239 with leucine.
Molecular consequence: missense variant.
Genome position (GRCh38, 1-based): chr17:38,326,853-38,326,854, GC replaced by AG on the plus strand (GC replaced by CT on the coding strand, the reverse complement: GPR179 is on the minus strand). VCF-style: chr17-38326853-GC-AG. GRCh37 (hg19) VCF-style: chr17-36482736-GC-AG.
Other names: short protein forms A2239L.
Identifiers: ClinVar variation 1036968 (VCV001036968.5), dbSNP rs2037291407, ClinGen allele CA2258564423.
Genomic context (GRCh38, chr17:38,326,853, plus strand): 5'-AAAGCCAGGAGGCCAGATTCCTCAGATGGGACTCCAGTTTCCTCCCCAGGACAGATGTCT[GC>AG]CATGGTACCCTTTATTTTATTTCCTTCTGGATCTGTGATTTCCCATTGGCACAGCTCTGC-3'
Protein context (NP_001004334.3, residues 2229-2249): PEGNKIKGTM[Ala2239Leu]DICPGEETGV